The following is an entry in ClinVar:

NM_020778.5(ALPK3):c.1512A>G (p.Gln504=)

Genes: ALPK3 (alpha kinase 3; plus strand), LOC111718493 (skeletal muscle cis-regulatory module overlapping ALPK3; plus strand). Cytogenetic location: 15q25.3.
Variant type: single nucleotide variant.
Coding change: c.1512A>G on transcript NM_020778.5 (MANE Select); coding-DNA position 1512, A replaced by G.
Protein change: p.Gln504=; no amino-acid change (glutamine 504 retained).
Molecular consequence: synonymous variant.
Genome position (GRCh38, 1-based): chr15:84,840,791, A>G. VCF-style: chr15-84840791-A-G. GRCh37 (hg19) VCF-style: chr15-85384022-A-G.
Identifiers: ClinVar variation 2704940 (VCV002704940.3), dbSNP rs2505706814, ClinGen allele CA492011461.

ClinVar aggregate classification (germline): Uncertain significance (1 of 4 stars; one submission).

Submission:

Labcorp Genetics (formerly Invitae), Labcorp
Classification: Uncertain significance. Last evaluated: 2023-12-22. Review status: criteria provided, single submitter. Criteria: Invitae Variant Classification Sherloc (09022015). Collection method: clinical testing. Allele origin: germline.
Comment: This sequence change affects codon 706 of the ALPK3 mRNA. It is a 'silent' change, meaning that it does not change the encoded amino acid sequence of the ALPK3 protein. This variant is not present in population databases (gnomAD no frequency). This variant has not been reported in the literature in individuals affected with ALPK3-related conditions. Algorithms developed to predict the effect of sequence changes on RNA splicing suggest that this variant may create or strengthen a splice site. In summary, the available evidence is currently insufficient to determine the role of this variant in disease. Therefore, it has been classified as a Variant of Uncertain Significance.